The following is an entry in ClinVar:

ClinVar aggregate classification (germline): Uncertain significance. Review status: criteria provided, multiple submitters, no conflicts (2 of 4 stars). 2 submissions from 2 submitters: Uncertain significance (2). Last evaluated 2024-04-01.

Allele frequency attached by ClinVar (database versions not stated): ExAC 0.00001; gnomAD exomes 0.00001.
gnomAD v4.1: 18 of 1,613,860 alleles (0.0011%); highest among the groups gnomAD compares: South Asian, 0.0033%; no homozygotes.

Submissions (2):

CeGaT Center for Human Genetics Tuebingen
Classification: Uncertain significance. Last evaluated: 2024-04-01. Review status: criteria provided, single submitter. Criteria: CeGaT Center For Human Genetics Tuebingen Variant Classification Criteria Version 2. Collection method: clinical testing. Allele origin: germline. Affected: yes. Observed: 1 variant allele.
Comment: PRKN: PM2

Institute for Clinical Genetics, University Hospital TU Dresden, University Hospital TU Dresden
Classification: Uncertain significance. Last evaluated: 2021-11-03. Review status: criteria provided, single submitter. Criteria: ACMG Guidelines, 2015. Collection method: clinical testing. Allele origin: germline.

NM_004562.3(PRKN):c.311G>A (p.Arg104Gln)

Gene: PRKN (parkin RBR E3 ubiquitin protein ligase; minus strand). Cytogenetic location: 6q26.
Variant type: single nucleotide variant.
Coding change: c.311G>A on transcript NM_004562.3 (MANE Select); coding-DNA position 311, G replaced by A.
Protein change: p.Arg104Gln; replaces arginine 104 with glutamine.
Molecular consequence: missense variant. On other transcripts: intron variant (1).
Genome position (GRCh38, 1-based): chr6:162,262,626, C>T on the plus strand (G>A on the coding strand, the complement: PRKN is on the minus strand). VCF-style: chr6-162262626-C-T. GRCh37 (hg19) VCF-style: chr6-162683658-C-T.
Other names: c.311G>A, p.Arg104Gln (NM_013987.3); c.171+180684G>A (NM_013988.3); short protein forms R104Q.
Identifiers: ClinVar variation 1319100 (VCV001319100.23), dbSNP rs748892763, ClinGen allele CA4090419.